The following is an entry in ClinVar:

NM_001105206.3(LAMA4):c.4663G>T (p.Asp1555Tyr)

Gene: LAMA4 (laminin subunit alpha 4; minus strand). Cytogenetic location: 6q21.
Variant type: single nucleotide variant.
Coding change: c.4663G>T on transcript NM_001105206.3 (MANE Select); coding-DNA position 4663, G replaced by T.
Protein change: p.Asp1555Tyr; replaces aspartic acid 1555 with tyrosine.
Molecular consequence: missense variant.
Genome position (GRCh38, 1-based): chr6:112,120,285, C>A on the plus strand (G>T on the coding strand, the complement: LAMA4 is on the minus strand). VCF-style: chr6-112120285-C-A. GRCh37 (hg19) VCF-style: chr6-112441488-C-A.
Other names: c.4642G>T, p.Asp1548Tyr (NM_001105207.3, NM_002290.5); c.4642G>T (NM_002290.3); short protein forms D1555Y, D1548Y.
Identifiers: ClinVar variation 1487133 (VCV001487133.9), dbSNP rs1424002749, ClinGen allele CA365369016.

ClinVar aggregate classification (germline): Uncertain significance. Review status: criteria provided, multiple submitters, no conflicts (2 of 4 stars). 3 submissions from 3 submitters: Uncertain significance (3). Last evaluated 2023-07-10.

Conditions:
Cardiovascular phenotype. Identifiers: MedGen CN230736.
Dilated cardiomyopathy 1JJ (CMD1JJ). Identifiers: Orphanet 154, MedGen C3808935, MONDO:0014095, OMIM 615235.

Submissions (3):

Ambry Genetics
Classification: Uncertain significance for Cardiovascular phenotype. Last evaluated: 2023-07-10. Review status: criteria provided, single submitter. Criteria: Ambry Variant Classification Scheme 2023. Collection method: clinical testing. Allele origin: germline.
Comment: The p.D1548Y variant (also known as c.4642G>T), located in coding exon 32 of the LAMA4 gene, results from a G to T substitution at nucleotide position 4642. The aspartic acid at codon 1548 is replaced by tyrosine, an amino acid with highly dissimilar properties. This amino acid position is conserved. In addition, this alteration is predicted to be tolerated by in silico analysis. Since supporting evidence is limited at this time, the clinical significance of this alteration remains unclear.

Laboratorio de Genetica e Diagnostico Molecular, Hospital Israelita Albert Einstein
Classification: Uncertain significance for Dilated cardiomyopathy 1JJ. Last evaluated: 2022-11-03. Review status: criteria provided, single submitter. Criteria: ACMG Guidelines, 2015. Collection method: clinical testing. Allele origin: germline. Affected: yes.
Comment: ACMG classification criteria: PM2 moderate, BP4 supporting

Labcorp Genetics (formerly Invitae), Labcorp
Classification: Uncertain significance for Dilated cardiomyopathy 1JJ. Last evaluated: 2022-04-12. Review status: criteria provided, single submitter. Criteria: Invitae Variant Classification Sherloc (09022015). Collection method: clinical testing. Allele origin: germline.
Comment: This sequence change replaces aspartic acid, which is acidic and polar, with tyrosine, which is neutral and polar, at codon 1548 of the LAMA4 protein (p.Asp1548Tyr). This variant is not present in population databases (gnomAD no frequency). In summary, the available evidence is currently insufficient to determine the role of this variant in disease. Therefore, it has been classified as a Variant of Uncertain Significance. Algorithms developed to predict the effect of missense changes on protein structure and function are either unavailable or do not agree on the potential impact of this missense change (SIFT: "Deleterious"; PolyPhen-2: "Probably Damaging"; Align-GVGD: "Class C0"). This variant has not been reported in the literature in individuals affected with LAMA4-related conditions.